The following is an entry in ClinVar:

NM_004380.3(CREBBP):c.874G>A (p.Gly292Arg)

Gene: CREBBP (CREB binding lysine acetyltransferase; minus strand). Cytogenetic location: 16p13.3.
Variant type: single nucleotide variant.
Coding change: c.874G>A on transcript NM_004380.3 (MANE Select); coding-DNA position 874, G replaced by A.
Protein change: p.Gly292Arg; replaces glycine 292 with arginine.
Molecular consequence: missense variant.
Genome position (GRCh38, 1-based): chr16:3,810,704, C>T on the plus strand (G>A on the coding strand, the complement: CREBBP is on the minus strand). VCF-style: chr16-3810704-C-T. GRCh37 (hg19) VCF-style: chr16-3860705-C-T.
Other names: c.874G>A, p.Gly292Arg (NM_001079846.1); short protein forms G292R.
Identifiers: ClinVar variation 2010087 (VCV002010087.4), dbSNP rs2141347047, ClinGen allele CA394566056.
Genomic context (GRCh38, chr16:3,810,704, plus strand): 5'-TAGGGAAGGTGGGCAAACTGTTGACCATGCTCTGTTTGCTGGCTAACTGGGGGTTCACTC[C>T]AGTGGCTCCCATTGGCTGCCCTCCAGCTTGACTAAAGGGCTGTCCAAATGGACTTGTGTT-3'
Protein context (NP_004371.2, residues 282-302): QAGGQPMGAT[Gly292Arg]VNPQLASKQS

ClinVar aggregate classification (germline): Uncertain significance (1 of 4 stars; one submission).

Conditions:
Rubinstein-Taybi syndrome (RSTS). Identifiers: Orphanet 783, MedGen C0035934, MONDO:0019188.

Allele frequency attached by ClinVar (database versions not stated): gnomAD exomes below 0.00001.
gnomAD v4.1: 1 of 1,613,952 alleles (0.000062%); highest among the groups gnomAD compares: Non-Finnish European, 0.000085%; no homozygotes.

Submission:

Labcorp Genetics (formerly Invitae), Labcorp
Classification: Uncertain significance for Rubinstein-Taybi syndrome. Last evaluated: 2023-08-30. Review status: criteria provided, single submitter. Criteria: Invitae Variant Classification Sherloc (09022015). Collection method: clinical testing. Allele origin: germline.
Comment: Advanced modeling of protein sequence and biophysical properties (such as structural, functional, and spatial information, amino acid conservation, physicochemical variation, residue mobility, and thermodynamic stability) performed at Invitae indicates that this missense variant is expected to disrupt CREBBP protein function. ClinVar contains an entry for this variant (Variation ID: 2010087). This variant has not been reported in the literature in individuals affected with CREBBP-related conditions. This variant is not present in population databases (gnomAD no frequency). This sequence change replaces glycine, which is neutral and non-polar, with arginine, which is basic and polar, at codon 292 of the CREBBP protein (p.Gly292Arg). In summary, the available evidence is currently insufficient to determine the role of this variant in disease. Therefore, it has been classified as a Variant of Uncertain Significance.